The following is an entry in ClinVar:

NM_001083962.2(TCF4):c.988T>G (p.Ser330Ala)

Gene: TCF4 (transcription factor 4; minus strand). Cytogenetic location: 18q21.2.
Variant type: single nucleotide variant.
Coding change: c.988T>G on transcript NM_001083962.2 (MANE Select); coding-DNA position 988, T replaced by G.
Protein change: p.Ser330Ala; replaces serine 330 with alanine.
Molecular consequence: missense variant.
Genome position (GRCh38, 1-based): chr18:55,261,468, A>C on the plus strand (T>G on the coding strand, the complement: TCF4 is on the minus strand). VCF-style: chr18-55261468-A-C. GRCh37 (hg19) VCF-style: chr18-52928699-A-C.
Other names: c.1294T>G, p.Ser432Ala (NM_001243226.3); c.916T>G, p.Ser306Ala (NM_001243227.2, NM_001306207.1, NM_001348217.1 and 9 more transcripts); c.1006T>G, p.Ser336Ala (NM_001243228.2); c.982T>G, p.Ser328Ala (NM_001243230.2); c.862T>G, p.Ser288Ala (NM_001243231.2, NM_001348211.2); c.775T>G, p.Ser259Ala (NM_001243232.1, NM_001306208.1); c.598T>G, p.Ser200Ala (NM_001243233.2, NM_001330605.3, NM_001348212.2 and 1 more transcripts); c.508T>G, p.Ser170Ala (NM_001243234.2, NM_001243235.2, NM_001243236.2 and 2 more transcripts); and 4 more; short protein forms S114A, S170A, S200A, S259A, S288A, S305A, S306A, S328A.
Identifiers: ClinVar variation 1302133 (VCV001302133.2), dbSNP rs2145729351, ClinGen allele CA402535027.

ClinVar aggregate classification (germline): Uncertain significance (1 of 4 stars; one submission).

Submission:

GeneDx
Classification: Uncertain significance. Last evaluated: 2019-05-24. Review status: criteria provided, single submitter. Criteria: GeneDx Variant Classification Process June 2021. Collection method: clinical testing. Allele origin: germline. Affected: yes.
Comment: Not observed in large population cohorts (Lek et al., 2016); In silico analysis, which includes protein predictors and evolutionary conservation, supports a deleterious effect; Has not been previously published as pathogenic or benign to our knowledge